The following is an entry in ClinVar:

ClinVar aggregate classification (germline): Conflicting classifications of pathogenicity. Review status: criteria provided, conflicting classifications (1 of 4 stars). 7 submissions from 7 submitters: Uncertain significance (3); Benign (1); Likely benign (2). 1 of the submissions does not count toward it. Last evaluated 2026-02-03.

Conditions:
Hereditary cancer. Identifiers: MedGen C1333600.
Hereditary cancer-predisposing syndrome. Also called: Hereditary Cancer Syndrome; Neoplastic Syndromes, Hereditary; Hereditary neoplastic syndrome; Tumor predisposition. Identifiers: Orphanet 140162, MedGen C0027672, MeSH D009386, MONDO:0015356.
Hereditary breast ovarian cancer syndrome. Also called: BRCA1- and BRCA2-Associated Hereditary Breast and Ovarian Cancer; Hereditary breast and ovarian cancer syndrome; Hereditary breast and/or ovarian cancer syndrome; Breast and ovarian cancer; Hereditary breast and ovarian cancer; Hereditary breast and ovarian cancer syndrome (HBOC). Identifiers: Orphanet 145, MedGen C0677776, MeSH D061325, MONDO:0003582. Disease mechanism: loss of function.
Malignant tumor of breast. Also called: Malignant breast neoplasm; Cancer breast. Identifiers: MedGen C0006142, MONDO:0007254. Disease mechanism: loss of function.

Allele frequency attached by ClinVar (database versions not stated): gnomAD exomes below 0.00001; TOPMed below 0.00001.
gnomAD v4.1: 2 of 1,612,424 alleles (0.00012%); highest among the groups gnomAD compares: Non-Finnish European, 0.00017%; no homozygotes.

Submissions (7):

Labcorp Genetics (formerly Invitae), Labcorp
Classification: Likely benign for Hereditary breast ovarian cancer syndrome. Last evaluated: 2026-02-03. Review status: criteria provided, single submitter. Criteria: Invitae Variant Classification Sherloc (09022015). Collection method: clinical testing. Allele origin: germline.

Color Diagnostics, LLC DBA Color Health
Classification: Uncertain significance for Hereditary cancer-predisposing syndrome. Last evaluated: 2025-07-29. Review status: criteria provided, single submitter. Criteria: ACMG Guidelines, 2015. Collection method: clinical testing. Allele origin: germline.
Comment: This missense variant replaces lysine with arginine at codon 3004 of the BRCA2 protein. Computational prediction suggests that this variant may not impact protein structure and function. Functional studies have reported that this variant does not impact BRCA2 in a haploid cell proliferation assay and in sensitivity assays to cisplatin and PARP inhibitor (PMID: 39779848, 39779857). Multifactorial analysis has reached a combined likelihood ratio (LR) of 0.966 based on reported LR for co-occurrence with a pathogenic variant and personal and family history for 1 carrier (PMID: 31131967, 31853058). This variant has not been identified in the general population by the Genome Aggregation Database (gnomAD). The available evidence is insufficient to determine the role of this variant in disease conclusively. Therefore, this variant is classified as a Variant of Uncertain Significance.

Ambry Genetics
Classification: Benign for Hereditary cancer-predisposing syndrome. Last evaluated: 2025-05-22. Review status: criteria provided, single submitter. Criteria: Ambry Variant Classification Scheme 2023. Collection method: clinical testing. Allele origin: germline.

Quest Diagnostics Nichols Institute San Juan Capistrano
Classification: Uncertain significance. Last evaluated: 2025-02-26. Review status: criteria provided, single submitter. Criteria: Quest Diagnostics criteria. Collection method: clinical testing. Allele origin: unknown.
Comment: The BRCA2 c.9011A>G (p.Lys3004Arg) variant has been reported in the published literature as a likely benign variant based on a multifactorial probability study (PMID 31131967 (2019)). This variant has also been identified in a reportedly healthy individual (PMID: 32467295 (2020)). This variant has not been reported in large, multi-ethnic general populations (Genome Aggregation Database). Analysis of this variant using bioinformatics tools for the prediction of the effect of amino acid changes on protein structure and function yielded predictions that this variant is benign. Based on the available information, we are unable to determine the clinical significance of this variant.

Mendelics
Classification: Likely benign for Hereditary cancer. Last evaluated: 2024-01-23. Review status: criteria provided, single submitter. Criteria: ACMG Guidelines, 2015. Collection method: clinical testing. Allele origin: unknown.

GeneDx
Classification: Uncertain significance. Last evaluated: 2018-05-17. Review status: criteria provided, single submitter. Criteria: GeneDx Variant Classification (06012015). Collection method: clinical testing. Allele origin: germline. Affected: yes.
Comment: This variant is denoted BRCA2 c.9011A>G at the cDNA level, p.Lys3004Arg (K3004R) at the protein level, and results in the change of a Lysine to an Arginine (AAG>AGG). Using alternate nomenclature, this variant would be defined as BRCA2 9239A>G. This variant has not, to our knowledge, been published in the literature as a pathogenic or benign germline variant. BRCA2 Lys3004Arg was not observed in large population cohorts (Lek 2016). BRCA2 Lys3004Arg is located in the DNA binding domain (Yang 2002). In silico analysis, which includes protein predictors and evolutionary conservation, supports that this variant does not alter protein structure/function. Based on currently available evidence, it is unclear whether BRCA2 Lys3004Arg is pathogenic or benign. We consider it to be a variant of uncertain significance.

Department of Pathology and Laboratory Medicine, Sinai Health System
Classification: Uncertain significance for Malignant tumor of breast. Review status: no assertion criteria provided. Collection method: clinical testing. Allele origin: unknown. Affected: yes. Study: The Canadian Open Genetics Repository (COGR). Not counted in ClinVar's aggregate classification.
Comment: The BRCA2 p.Lys3004Arg variant was not identified in the literature nor was it identified in the dbSNP, NHLBI Exome Sequencing Project (Exome Variant Server), HGMD, LOVD, COSMIC, UMD, or BIC databases. The variant was identified in the ClinVar database, submitted by Ambry Genetics with a classification of uncertain significance. The variant occurs outside of the splicing consensus sequence and four out of five in silico or computational prediction software programs (SpliceSiteFinder, MaxEntScan, NNSPLICE, GeneSplicer, HumanSpliceFinder) do not predict a difference in splicing. The p.Lys3004 residue is not conserved in mammals and computational analyses (PolyPhen-2, SIFT, AlignGVGD, BLOSUM, MutationTaster) do not suggest a high likelihood of impact to the protein. However, this information is not predictive enough to rule out pathogenicity. In summary, based on the above information, the clinical significance of this variant cannot be determined with certainty at this time. This variant is classified as a variant of unknown significance.

Literature cited by the submitters: PubMed 31131967 (cited by 3 submitters); PubMed 31853058 (cited by Color Diagnostics, LLC DBA Color Health); PubMed 39779848 (cited by Color Diagnostics, LLC DBA Color Health); PubMed 39779857 (cited by Color Diagnostics, LLC DBA Color Health); PubMed 28726806 (cited by Ambry Genetics); PubMed 31112341 (cited by Ambry Genetics); PubMed 23315985 (cited by Quest Diagnostics Nichols Institute San Juan Capistrano); PubMed 32467295 (cited by Quest Diagnostics Nichols Institute San Juan Capistrano).

NM_000059.4(BRCA2):c.9011A>G (p.Lys3004Arg)

Gene: BRCA2 (BRCA2 DNA repair associated; plus strand). Cytogenetic location: 13q13.1.
Variant type: single nucleotide variant.
Coding change: c.9011A>G on transcript NM_000059.4 (MANE Select); coding-DNA position 9011, A replaced by G.
Protein change: p.Lys3004Arg; replaces lysine 3004 with arginine.
Molecular consequence: missense variant.
Genome position (GRCh38, 1-based): chr13:32,379,807, A>G. VCF-style: chr13-32379807-A-G. GRCh37 (hg19) VCF-style: chr13-32953944-A-G.
Other names: p.K3004R:AAG>AGG; short protein forms K3004R.
Identifiers: ClinVar variation 142866 (VCV000142866.31), dbSNP rs587782779, ClinGen allele CA025924.